The following is an entry in ClinVar:

NM_001122955.4(BSCL2):c.265C>T (p.Arg89Cys)

Genes: BSCL2 (BSCL2 lipid droplet biogenesis associated, seipin; minus strand), HNRNPUL2-BSCL2 (HNRNPUL2-BSCL2 readthrough (NMD candidate); minus strand). Cytogenetic location: 11q12.3.
Variant type: single nucleotide variant.
Coding change: c.265C>T on transcript NM_001122955.4 (MANE Select); coding-DNA position 265, C replaced by T.
Protein change: p.Arg89Cys; replaces arginine 89 with cysteine.
Molecular consequence: missense variant. On other transcripts: non-coding transcript variant (1).
Genome position (GRCh38, 1-based): chr11:62,705,440, G>A on the plus strand (C>T on the coding strand, the complement: BSCL2 is on the minus strand). VCF-style: chr11-62705440-G-A. GRCh37 (hg19) VCF-style: chr11-62472912-G-A.
Other names: c.73C>T, p.Arg25Cys (NM_001130702.2, NM_032667.6); c.265C>T, p.Arg89Cys (NM_001386027.1, NM_001386028.1); short protein forms R25C, R89C.
Identifiers: ClinVar variation 1758718 (VCV001758718.5), dbSNP rs771754989, ClinGen allele CA6053630.

ClinVar aggregate classification (germline): Uncertain significance. Review status: criteria provided, multiple submitters, no conflicts (2 of 4 stars). 2 submissions from 2 submitters: Uncertain significance (2). Last evaluated 2024-08-28.

Conditions:
Inborn genetic diseases. Identifiers: MedGen C0950123, MeSH D030342.
Charcot-Marie-Tooth disease type 2. Also called: Charcot-Marie-Tooth type 2. Identifiers: Orphanet 64746, MedGen C0270914, MONDO:0018993.

Allele frequency attached by ClinVar (database versions not stated): ExAC 0.00001; gnomAD 0.00001; gnomAD exomes 0.00001.
gnomAD v4.1: 8 of 1,614,110 alleles (0.0005%); highest among the groups gnomAD compares: African/African-American, 0.0013%; no homozygotes.

Submissions (2):

Labcorp Genetics (formerly Invitae), Labcorp
Classification: Uncertain significance for Charcot-Marie-Tooth disease type 2. Last evaluated: 2024-08-28. Review status: criteria provided, single submitter. Criteria: Invitae Variant Classification Sherloc (09022015). Collection method: clinical testing. Allele origin: germline.
Comment: This sequence change replaces arginine, which is basic and polar, with cysteine, which is neutral and slightly polar, at codon 25 of the BSCL2 protein (p.Arg25Cys). This variant is present in population databases (rs771754989, gnomAD 0.003%). This missense change has been observed in individual(s) with clinical features of BSCL2-related conditions (internal data). ClinVar contains an entry for this variant (Variation ID: 1758718). Invitae Evidence Modeling of protein sequence and biophysical properties (such as structural, functional, and spatial information, amino acid conservation, physicochemical variation, residue mobility, and thermodynamic stability) indicates that this missense variant is expected to disrupt BSCL2 protein function with a positive predictive value of 80%. In summary, the available evidence is currently insufficient to determine the role of this variant in disease. Therefore, it has been classified as a Variant of Uncertain Significance.

Ambry Genetics
Classification: Uncertain significance for Inborn genetic diseases. Last evaluated: 2021-09-02. Review status: criteria provided, single submitter. Criteria: Ambry Variant Classification Scheme 2023. Collection method: clinical testing. Allele origin: germline.
Comment: The p.R25C variant (also known as c.73C>T), located in coding exon 1 of the BSCL2 gene, results from a C to T substitution at nucleotide position 73. The arginine at codon 25 is replaced by cysteine, an amino acid with highly dissimilar properties. This amino acid position is highly conserved in available vertebrate species. In addition, this alteration is predicted to be deleterious by in silico analysis. Since supporting evidence is limited at this time, the clinical significance of this alteration remains unclear.